The following is an entry in ClinVar:

NM_015409.5(EP400):c.90C>G (p.Ala30=)

Gene: EP400 (E1A binding protein p400; plus strand). Cytogenetic location: 12q24.33.
Variant type: single nucleotide variant.
Coding change: c.90C>G on transcript NM_015409.5 (MANE Select); coding-DNA position 90, C replaced by G.
Protein change: p.Ala30=; no amino-acid change (alanine 30 retained).
Molecular consequence: synonymous variant.
Genome position (GRCh38, 1-based): chr12:131,960,709, C>G. VCF-style: chr12-131960709-C-G. GRCh37 (hg19) VCF-style: chr12-132445254-C-G.
Identifiers: ClinVar variation 3058078 (VCV003058078.2), dbSNP rs2540894714, ClinGen allele CA482842062.
Genomic context (GRCh38, chr12:131,960,709, plus strand): 5'-CCAGCATCAGCTGCAGAGGTCCAGGGCCTGCCCTGGCAGCGAGGGTGAGGAGCAGCCGGC[C>G]CACCCCAACCCACCCCCGTCCCCCGCAGCTCCCTTCGCTCCCTCAGCAAGCCCGTCGGCA-3'
Protein context (NP_056224.3, residues 20-40): CPGSEGEEQP[Ala30=]HPNPPPSPAA

ClinVar aggregate classification (germline): Likely benign (0 of 4 stars; one submission).

Conditions:
EP400-related disorder. Also called: EP400-related condition.

Submission:

PreventionGenetics, part of Exact Sciences
Classification: Likely benign for EP400-related condition. Last evaluated: 2019-04-25. Review status: no assertion criteria provided. Collection method: clinical testing. Allele origin: germline.
Comment: This variant is classified as likely benign based on ACMG/AMP sequence variant interpretation guidelines (Richards et al. 2015 PMID: 25741868, with internal and published modifications).